The following is an entry in ClinVar:

ClinVar aggregate classification (germline): Likely pathogenic (1 of 4 stars; one submission).

Conditions:
Usher syndrome type 2C. Also called: USHER SYNDROME, TYPE IIC; Usher syndrome, type 2B. Identifiers: Orphanet 231178, Orphanet 886, MedGen C2931213, MONDO:0011558, OMIM 605472.
Febrile seizures, familial, 4 (FEB4). Also called: CONVULSIONS, FAMILIAL FEBRILE, 4. Identifiers: MedGen C1858493, MONDO:0011443, OMIM 604352.

Submission:

Juno Genomics, Hangzhou Juno Genomics, Inc
Classification: Likely pathogenic for Usher syndrome type 2C; Febrile seizures, familial, 4. Review status: criteria provided, single submitter. Criteria: ACMG Guidelines, 2015. Collection method: clinical testing. Allele origin: germline. Affected: yes.
Comment: Absent from controls (or at extremely low frequency if recessive) in Genome Aggregation Database, Exome Sequencing Project, 1000 Genomes Project, or Exome Aggregation Consortium.;Null variant in a gene where loss of function (LOF) is a known mechanism of disease.

NM_032119.4(ADGRV1):c.17187C>A (p.Cys5729Ter)

Gene: ADGRV1 (adhesion G protein-coupled receptor V1; plus strand). Cytogenetic location: 5q14.3.
Variant type: single nucleotide variant.
Coding change: c.17187C>A on transcript NM_032119.4 (MANE Select); coding-DNA position 17187, C replaced by A.
Protein change: p.Cys5729Ter; replaces cysteine 5729 with a stop codon.
Molecular consequence: nonsense. On other transcripts: non-coding transcript variant (1).
Genome position (GRCh38, 1-based): chr5:90,848,804, C>A. VCF-style: chr5-90848804-C-A. GRCh37 (hg19) VCF-style: chr5-90144621-C-A.
Other names: short protein forms C5729*.
Identifiers: ClinVar variation 3764722 (VCV003764722.2).